The following is an entry in ClinVar:

NM_032737.4(LMNB2):c.1496G>T (p.Gly499Val)

Gene: LMNB2 (lamin B2; minus strand). Cytogenetic location: 19p13.3.
Variant type: single nucleotide variant.
Coding change: c.1496G>T on transcript NM_032737.4 (MANE Select); coding-DNA position 1496, G replaced by T.
Protein change: p.Gly499Val; replaces glycine 499 with valine.
Molecular consequence: missense variant.
Genome position (GRCh38, 1-based): chr19:2,432,510, C>A on the plus strand (G>T on the coding strand, the complement: LMNB2 is on the minus strand). VCF-style: chr19-2432510-C-A. GRCh37 (hg19) VCF-style: chr19-2432508-C-A.
Other names: short protein forms G499V.
Identifiers: ClinVar variation 1721898 (VCV001721898.5), dbSNP rs1265670503, ClinGen allele CA403250499.

ClinVar aggregate classification (germline): Uncertain significance (1 of 4 stars; one submission).

Conditions:
Progressive myoclonic epilepsy type 9. Identifiers: Orphanet 457265, MedGen C4225289, MONDO:0014685, OMIM 616540.
Lipodystrophy, partial, acquired, susceptibility to (APLD). Also called: APLD, SUSCEPTIBILITY TO. Identifiers: MedGen C3887501, MONDO:0100476, OMIM 608709.

Allele frequency attached by ClinVar (database versions not stated): gnomAD exomes below 0.00001.
gnomAD v4.1: 2 of 1,613,676 alleles (0.00012%); highest among the groups gnomAD compares: Non-Finnish European, 0.00017%; no homozygotes.

Submission:

Labcorp Genetics (formerly Invitae), Labcorp
Classification: Uncertain significance for Progressive myoclonic epilepsy type 9; Lipodystrophy, partial, acquired, susceptibility to. Last evaluated: 2022-10-19. Review status: criteria provided, single submitter. Criteria: Invitae Variant Classification Sherloc (09022015). Collection method: clinical testing. Allele origin: germline.
Comment: This sequence change replaces glycine, which is neutral and non-polar, with valine, which is neutral and non-polar, at codon 499 of the LMNB2 protein (p.Gly499Val). This variant is not present in population databases (gnomAD no frequency). This variant has not been reported in the literature in individuals affected with LMNB2-related conditions. Advanced modeling of protein sequence and biophysical properties (such as structural, functional, and spatial information, amino acid conservation, physicochemical variation, residue mobility, and thermodynamic stability) performed at Invitae indicates that this missense variant is not expected to disrupt LMNB2 protein function. In summary, the available evidence is currently insufficient to determine the role of this variant in disease. Therefore, it has been classified as a Variant of Uncertain Significance.